The following is an entry in ClinVar:

ClinVar aggregate classification (germline): Uncertain significance. Review status: criteria provided, multiple submitters, no conflicts (2 of 4 stars). 3 submissions from 3 submitters: Uncertain significance (3). Last evaluated 2025-11-08.

Conditions:
Inborn genetic diseases. Identifiers: MedGen C0950123, MeSH D030342.
Intellectual developmental disorder, autosomal dominant 6, with or without seizures. Also called: Intellectual disability, autosomal dominant 6; GRIN2B-related developmental delay, intellectual disability and autism spectrum disorder. Identifiers: Orphanet 589547, MedGen C3151411, MONDO:0013509, OMIM 613970.
Developmental and epileptic encephalopathy, 27 (DEE27). Also called: Epileptic encephalopathy, early infantile, 27; GRIN2B-Related Neurodevelopmental Disorder. Identifiers: Orphanet 3451, MedGen C4015316, MONDO:0014505, OMIM 616139.

Allele frequency attached by ClinVar (database versions not stated): TOPMed 0.00001; ExAC 0.00002; gnomAD exomes 0.00003.
gnomAD v4.1: 17 of 1,614,016 alleles (0.0011%); highest among the groups gnomAD compares: East Asian, 0.0067%; no homozygotes.

Submissions (3):

Labcorp Genetics (formerly Invitae), Labcorp
Classification: Uncertain significance for Developmental and epileptic encephalopathy, 27; Intellectual developmental disorder, autosomal dominant 6, with or without seizures. Last evaluated: 2025-11-08. Review status: criteria provided, single submitter. Criteria: Invitae Variant Classification Sherloc (09022015). Collection method: clinical testing. Allele origin: germline.
Comment: This sequence change replaces arginine, which is basic and polar, with histidine, which is basic and polar, at codon 84 of the GRIN2B protein (p.Arg84His). This variant is present in population databases (rs778695605, gnomAD 0.02%). This variant has not been reported in the literature in individuals affected with GRIN2B-related conditions. ClinVar contains an entry for this variant (Variation ID: 234846). Invitae Evidence Modeling of protein sequence and biophysical properties (such as structural, functional, and spatial information, amino acid conservation, physicochemical variation, residue mobility, and thermodynamic stability) indicates that this missense variant is not expected to disrupt GRIN2B protein function with a negative predictive value of 95%. In summary, the available evidence is currently insufficient to determine the role of this variant in disease. Therefore, it has been classified as a Variant of Uncertain Significance.

Ambry Genetics
Classification: Uncertain significance for Inborn genetic diseases. Last evaluated: 2021-10-12. Review status: criteria provided, single submitter. Criteria: Ambry Variant Classification Scheme 2023. Collection method: clinical testing. Allele origin: germline.

GeneDx
Classification: Uncertain significance. Last evaluated: 2016-03-02. Review status: criteria provided, single submitter. Criteria: GeneDx Variant Classification (06012015). Collection method: clinical testing. Allele origin: germline. Affected: yes.
Comment: The R84H variant has not been published as a pathogenic variant, nor has it been reported as a benign variant to our knowledge. It was not observed in approximately 6,500 individuals of European and African American ancestry in the NHLBI Exome Sequencing Project, indicating it is not a common benign variant in these populations. This substitution occurs at a position that is conserved in mammals. However, the R84H variant is a conservative amino acid substitution, which is not likely to impact secondary protein structure as these residues share similar properties, and in silico analysis is inconsistent in its predictions as to whether or not the variant is damaging to the protein structure/function. Therefore, based on the currently available information, it is unclear whether this variant is a pathogenic variant or a rare benign variant.

NM_000834.5(GRIN2B):c.251G>A (p.Arg84His)

Gene: GRIN2B (glutamate ionotropic receptor NMDA type subunit 2B; minus strand). Cytogenetic location: 12p13.1.
Variant type: single nucleotide variant.
Coding change: c.251G>A on transcript NM_000834.5 (MANE Select); coding-DNA position 251, G replaced by A.
Protein change: p.Arg84His; replaces arginine 84 with histidine.
Molecular consequence: missense variant.
Genome position (GRCh38, 1-based): chr12:13,865,958, C>T on the plus strand (G>A on the coding strand, the complement: GRIN2B is on the minus strand). VCF-style: chr12-13865958-C-T. GRCh37 (hg19) VCF-style: chr12-14018892-C-T.
Other names: short protein forms R84H.
Identifiers: ClinVar variation 234846 (VCV000234846.6), dbSNP rs778695605, ClinGen allele CA6461442.